The following is an entry in ClinVar:

ClinVar aggregate classification (germline): Uncertain significance (1 of 4 stars; one submission).

gnomAD v4.1: 11 of 1,614,124 alleles (0.00068%); highest among the groups gnomAD compares: Admixed American, 0.0017%; no homozygotes.

Submission:

Women's Health and Genetics/Laboratory Corporation of America, LabCorp
Classification: Uncertain significance. Last evaluated: 2024-07-10. Review status: criteria provided, single submitter. Criteria: LabCorp Variant Classification Summary - May 2015. Collection method: clinical testing. Allele origin: germline.
Comment: Variant summary: PC c.2683G>A (p.Val895Met) results in a conservative amino acid change located in the Carboxylase, conserved domain (IPR003379) of the encoded protein sequence. Three of five in-silico tools predict a damaging effect of the variant on protein function. The variant allele was found at a frequency of 1.2e-05 in 251358 control chromosomes (gnomAD). The available data on variant occurrences in the general population are insufficient to allow any conclusion about variant significance. c.2683G>A has been reported in the literature in an individual affected with intellectual disability (Brea-Fernandez_2022). This report does not provide unequivocal conclusions about association of the variant with Pyruvate Carboxylase Deficiency. To our knowledge, no experimental evidence demonstrating an impact on protein function has been reported. No submitters have cited clinical-significance assessments for this variant to ClinVar. Based on the evidence outlined above, the variant was classified as uncertain significance.

Literature cited by the submitters: PubMed 35322241.

NM_001040716.2(PC):c.2683G>A (p.Val895Met)

Gene: PC (pyruvate carboxylase; minus strand). Cytogenetic location: 11q13.2.
Variant type: single nucleotide variant.
Coding change: c.2683G>A on transcript NM_001040716.2 (MANE Select); coding-DNA position 2683, G replaced by A.
Protein change: p.Val895Met; replaces valine 895 with methionine.
Molecular consequence: missense variant.
Genome position (GRCh38, 1-based): chr11:66,850,255, C>T on the plus strand (G>A on the coding strand, the complement: PC is on the minus strand). VCF-style: chr11-66850255-C-T. GRCh37 (hg19) VCF-style: chr11-66617726-C-T.
Other names: c.2683G>A, p.Val895Met (NM_000920.4, NM_022172.3); short protein forms V895M.
Identifiers: ClinVar variation 3338965 (VCV003338965.1).